The following is an entry in ClinVar:

ClinVar aggregate classification (germline): Uncertain significance (1 of 4 stars; one submission).

Conditions:
Bethlem myopathy 1A. Also called: MYOPATHY, BENIGN CONGENITAL, WITH CONTRACTURES; Bethlem myopathy 1; Bethlem Muscular Dystrophy. Identifiers: Orphanet 610, MedGen CN029274, MONDO:0024530, OMIM 158810.

gnomAD v4.1: 1 of 1,594,612 alleles (0.000063%); highest among the groups gnomAD compares: Non-Finnish European, 0.000085%; no homozygotes.

Submission:

Labcorp Genetics (formerly Invitae), Labcorp
Classification: Uncertain significance for Bethlem myopathy 1A. Last evaluated: 2024-06-28. Review status: criteria provided, single submitter. Criteria: Invitae Variant Classification Sherloc (09022015). Collection method: clinical testing. Allele origin: germline.
Comment: This sequence change replaces proline, which is neutral and non-polar, with serine, which is neutral and polar, at codon 740 of the COL6A1 protein (p.Pro740Ser). This variant is not present in population databases (gnomAD no frequency). This variant has not been reported in the literature in individuals affected with COL6A1-related conditions. Advanced modeling of protein sequence and biophysical properties (such as structural, functional, and spatial information, amino acid conservation, physicochemical variation, residue mobility, and thermodynamic stability) performed at Invitae indicates that this missense variant is not expected to disrupt COL6A1 protein function with a negative predictive value of 95%. In summary, the available evidence is currently insufficient to determine the role of this variant in disease. Therefore, it has been classified as a Variant of Uncertain Significance.

NM_001848.3(COL6A1):c.2218C>T (p.Pro740Ser)

Gene: COL6A1 (collagen type VI alpha 1 chain; plus strand). Cytogenetic location: 21q22.3.
Variant type: single nucleotide variant.
Coding change: c.2218C>T on transcript NM_001848.3 (MANE Select); coding-DNA position 2218, C replaced by T.
Protein change: p.Pro740Ser; replaces proline 740 with serine.
Molecular consequence: missense variant.
Genome position (GRCh38, 1-based): chr21:46,002,369, C>T. VCF-style: chr21-46002369-C-T. GRCh37 (hg19) VCF-style: chr21-47422283-C-T.
Other names: short protein forms P740S.
Identifiers: ClinVar variation 3677701 (VCV003677701.2).